The following is an entry in ClinVar:

NM_000371.4(TTR):c.119T>C (p.Val40Ala)

Gene: TTR (transthyretin; plus strand). Cytogenetic location: 18q12.1.
Variant type: single nucleotide variant.
Coding change: c.119T>C on transcript NM_000371.4 (MANE Select); coding-DNA position 119, T replaced by C.
Protein change: p.Val40Ala; replaces valine 40 with alanine.
Molecular consequence: missense variant.
Genome position (GRCh38, 1-based): chr18:31,592,945, T>C. VCF-style: chr18-31592945-T-C. GRCh37 (hg19) VCF-style: chr18-29172908-T-C.
Other names: short protein forms V40A.
Identifiers: ClinVar variation 2169600 (VCV002169600.5), dbSNP rs1258875883, ClinGen allele CA402156634.
Genomic context (GRCh38, chr18:31,592,945, plus strand): 5'-TCTACACCCAGGGCACCGGTGAATCCAAGTGTCCTCTGATGGTCAAAGTTCTAGATGCTG[T>C]CCGAGGCAGTCCTGCCATCAATGTGGCCGTGCATGTGTTCAGAAAGGCTGCTGATGACAC-3'
Protein context (NP_000362.1, residues 30-50): CPLMVKVLDA[Val40Ala]RGSPAINVAV

ClinVar aggregate classification (germline): Likely pathogenic. Review status: criteria provided, multiple submitters, no conflicts (2 of 4 stars). 2 submissions from 2 submitters: Likely pathogenic (2). Last evaluated 2025-06-30.

Conditions:
Amyloidosis, hereditary systemic 1 (AMYLD1). Also called: AMYLOID CARDIOMYOPATHY; Hereditary oculoleptomeningeal amyloid angiopathy; Familial Transthyretin Amyloidosis; Isolated Cardiac Amyloidosis; Amyloid Cardiomyopathy, Transthyretin-related; Familial amyloid polyneuropathy. Identifiers: Orphanet 85447, Orphanet 85451, MedGen C2751492, MONDO:0971004, OMIM 105210.

Allele frequency attached by ClinVar (database versions not stated): TOPMed 0.00002; gnomAD exomes below 0.00001.
gnomAD v4.1: 2 of 1,614,102 alleles (0.00012%); highest among the groups gnomAD compares: East Asian, 0.0045%; no homozygotes.

Submissions (2):

GeneDx
Classification: Likely pathogenic. Last evaluated: 2025-06-30. Review status: criteria provided, single submitter. Criteria: GeneDx Variant Classification Process June 2021. Collection method: clinical testing. Allele origin: germline. Affected: yes.
Comment: In silico analysis suggests that this missense variant does not alter protein structure/function; Not observed at significant frequency in large population cohorts (gnomAD); Has not been previously published as pathogenic or benign in association with a TTR-related disorder to our knowledge; This variant is associated with the following publications: (PMID: 30683924)

Labcorp Genetics (formerly Invitae), Labcorp
Classification: Likely pathogenic for Amyloidosis, hereditary systemic 1. Last evaluated: 2022-07-19. Review status: criteria provided, single submitter. Criteria: Invitae Variant Classification Sherloc (09022015). Collection method: clinical testing. Allele origin: germline.
Comment: This sequence change replaces valine, which is neutral and non-polar, with alanine, which is neutral and non-polar, at codon 40 of the TTR protein (p.Val40Ala). In summary, the currently available evidence indicates that the variant is pathogenic, but additional data are needed to prove that conclusively. Therefore, this variant has been classified as Likely Pathogenic. This variant disrupts the p.Val40 amino acid residue in TTR. Other variant(s) that disrupt this residue have been determined to be pathogenic (Invitae). This suggests that this residue is clinically significant, and that variants that disrupt this residue are likely to be disease-causing. Advanced modeling of protein sequence and biophysical properties (such as structural, functional, and spatial information, amino acid conservation, physicochemical variation, residue mobility, and thermodynamic stability) performed at Invitae indicates that this missense variant is expected to disrupt TTR protein function. This variant has not been reported in the literature in individuals affected with TTR-related conditions. This variant is present in population databases (no rsID available, gnomAD 0.006%).